The following is an entry in ClinVar:

NM_199420.4(POLQ):c.3833C>T (p.Ser1278Leu)

Gene: POLQ (DNA polymerase theta; minus strand). Cytogenetic location: 3q13.33.
Variant type: single nucleotide variant.
Coding change: c.3833C>T on transcript NM_199420.4 (MANE Select); coding-DNA position 3833, C replaced by T.
Protein change: p.Ser1278Leu; replaces serine 1278 with leucine.
Molecular consequence: missense variant.
Genome position (GRCh38, 1-based): chr3:121,489,098, G>A on the plus strand (C>T on the coding strand, the complement: POLQ is on the minus strand). VCF-style: chr3-121489098-G-A. GRCh37 (hg19) VCF-style: chr3-121207945-G-A.
Other names: short protein forms S1278L.
Identifiers: ClinVar variation 1735365 (VCV001735365.2), dbSNP rs2546786868, ClinGen allele CA354097005.

ClinVar aggregate classification (germline): Uncertain significance (1 of 4 stars; one submission).

Allele frequency attached by ClinVar (database versions not stated): gnomAD exomes below 0.00001.
gnomAD v4.1: 1 of 1,613,552 alleles (0.000062%); highest among the groups gnomAD compares: South Asian, 0.0011%; no homozygotes.

Submission:

Ambry Genetics
Classification: Uncertain significance. Last evaluated: 2023-10-08. Review status: criteria provided, single submitter. Criteria: Ambry Variant Classification Scheme 2023. Collection method: clinical testing. Allele origin: germline.
Comment: The p.S1278L variant (also known as c.3833C>T), located in coding exon 16 of the POLQ gene, results from a C to T substitution at nucleotide position 3833. The serine at codon 1278 is replaced by leucine, an amino acid with dissimilar properties. This amino acid position is conserved. In addition, this alteration is predicted to be tolerated by in silico analysis. Since supporting evidence is limited at this time, the clinical significance of this alteration remains unclear.